The following is an entry in ClinVar:

NM_000428.3(LTBP2):c.31G>A (p.Gly11Arg)

Gene: LTBP2 (latent transforming growth factor beta binding protein 2; minus strand). Cytogenetic location: 14q24.3.
Variant type: single nucleotide variant.
Coding change: c.31G>A on transcript NM_000428.3 (MANE Select); coding-DNA position 31, G replaced by A.
Protein change: p.Gly11Arg; replaces glycine 11 with arginine.
Molecular consequence: missense variant.
Genome position (GRCh38, 1-based): chr14:74,611,914, C>T on the plus strand (G>A on the coding strand, the complement: LTBP2 is on the minus strand). VCF-style: chr14-74611914-C-T. GRCh37 (hg19) VCF-style: chr14-75078617-C-T.
Other names: short protein forms G11R.
Identifiers: ClinVar variation 1415114 (VCV001415114.4), dbSNP rs778221370, ClinGen allele CA7270276.

ClinVar aggregate classification (germline): Uncertain significance (1 of 4 stars; one submission).

Allele frequency attached by ClinVar (database versions not stated): gnomAD 0.00001; gnomAD exomes 0.00001; ExAC 0.00003; TOPMed 0.00003.
gnomAD v4.1: 20 of 1,592,798 alleles (0.0013%); highest among the groups gnomAD compares: Non-Finnish European, 0.0016%; no homozygotes.

Submission:

Labcorp Genetics (formerly Invitae), Labcorp
Classification: Uncertain significance. Last evaluated: 2022-08-19. Review status: criteria provided, single submitter. Criteria: Invitae Variant Classification Sherloc (09022015). Collection method: clinical testing. Allele origin: germline.
Comment: This sequence change replaces glycine, which is neutral and non-polar, with arginine, which is basic and polar, at codon 11 of the LTBP2 protein (p.Gly11Arg). This variant is present in population databases (rs778221370, gnomAD 0.002%). This variant has not been reported in the literature in individuals affected with LTBP2-related conditions. ClinVar contains an entry for this variant (Variation ID: 1415114). Algorithms developed to predict the effect of missense changes on protein structure and function output the following: SIFT: "Deleterious"; PolyPhen-2: "Benign"; Align-GVGD: "Class C65". The arginine amino acid residue is found in multiple mammalian species, which suggests that this missense change does not adversely affect protein function. In summary, the available evidence is currently insufficient to determine the role of this variant in disease. Therefore, it has been classified as a Variant of Uncertain Significance.